The following is an entry in ClinVar:

NM_145725.3(TRAF3):c.1244A>G (p.Asn415Ser)

Gene: TRAF3 (TNF receptor associated factor 3; plus strand). Cytogenetic location: 14q32.32.
Variant type: single nucleotide variant.
Coding change: c.1244A>G on transcript NM_145725.3 (MANE Select); coding-DNA position 1244, A replaced by G.
Protein change: p.Asn415Ser; replaces asparagine 415 with serine.
Molecular consequence: missense variant.
Genome position (GRCh38, 1-based): chr14:102,905,321, A>G. VCF-style: chr14-102905321-A-G. GRCh37 (hg19) VCF-style: chr14-103371658-A-G.
Other names: c.1169A>G, p.Asn390Ser (NM_145726.3); c.995A>G, p.Asn332Ser (NM_001199427.2); c.1103A>G, p.Asn368Ser (NM_001385142.1); c.1163A>G, p.Asn388Ser (NM_001385143.1); c.1244A>G, p.Asn415Ser (NM_003300.4); short protein forms N415S, N332S, N388S, N368S, N390S.
Identifiers: ClinVar variation 4778795 (VCV004778795.1).

ClinVar aggregate classification (germline): Uncertain significance (1 of 4 stars; one submission).

Conditions:
Immunodeficiency 132A. Also called: Herpes simplex encephalitis, susceptibility to, 3. Identifiers: Orphanet 1930, MedGen C3553868, MONDO:0013920, OMIM 614849.

gnomAD v4.1: 2 of 1,614,210 alleles (0.00012%); highest among the groups gnomAD compares: East Asian, 0.0022%; no homozygotes.

Submission:

Labcorp Genetics (formerly Invitae), Labcorp
Classification: Uncertain significance for Immunodeficiency 132A. Last evaluated: 2026-01-08. Review status: criteria provided, single submitter. Criteria: Invitae Variant Classification Sherloc (09022015). Collection method: clinical testing. Allele origin: germline.
Comment: This sequence change replaces asparagine, which is neutral and polar, with serine, which is neutral and polar, at codon 415 of the TRAF3 protein (p.Asn415Ser). This variant is present in population databases (rs757354124, gnomAD 0.006%). This variant has not been reported in the literature in individuals affected with TRAF3-related conditions. An algorithm developed to predict the effect of missense changes on protein structure and function (PolyPhen-2) suggests that this variant is likely to be tolerated. In summary, the available evidence is currently insufficient to determine the role of this variant in disease. Therefore, it has been classified as a Variant of Uncertain Significance.